The following is an entry in ClinVar:

ClinVar aggregate classification (germline): Likely benign. Review status: criteria provided, single submitter (1 of 4 stars). 2 submissions from 2 submitters: Likely benign (1). 1 of the submissions does not count toward it. Last evaluated 2025-04-11.

Conditions:
POLG-related disorder. Also called: POLG-Related Spectrum Disorders; POLG-related condition; POLG-Related Disorders. Identifiers: MedGen C4763519.
Progressive sclerosing poliodystrophy (MTDPS4A). Also called: ALPERS PROGRESSIVE INFANTILE POLIODYSTROPHY; NEURONAL DEGENERATION OF CHILDHOOD WITH LIVER DISEASE, PROGRESSIVE; Alpers Syndrome; ALPERS DIFFUSE DEGENERATION OF CEREBRAL GRAY MATTER WITH HEPATIC CIRRHOSIS; Alpers-Huttenlocher Syndrome; Mitochondrial DNA depletion syndrome 4A (Alpers type). Identifiers: Orphanet 726, MedGen C0205710, MONDO:0008758, OMIM 203700.

Allele frequency attached by ClinVar (database versions not stated): gnomAD exomes 0.00001.
gnomAD v4.1: 10 of 1,545,696 alleles (0.00065%); highest among the groups gnomAD compares: South Asian, 0.0047%; no homozygotes.

Submissions (2):

Labcorp Genetics (formerly Invitae), Labcorp
Classification: Likely benign for Progressive sclerosing poliodystrophy. Last evaluated: 2025-04-11. Review status: criteria provided, single submitter. Criteria: Invitae Variant Classification Sherloc (09022015). Collection method: clinical testing. Allele origin: germline.

PreventionGenetics, part of Exact Sciences
Classification: Likely benign for POLG-related condition. Last evaluated: 2022-07-14. Review status: no assertion criteria provided. Collection method: clinical testing. Allele origin: germline. Not counted in ClinVar's aggregate classification.
Comment: This variant is classified as likely benign based on ACMG/AMP sequence variant interpretation guidelines (Richards et al. 2015 PMID: 25741868, with internal and published modifications).

NM_002693.3(POLG):c.69G>A (p.Gly23=)

Genes: POLG (DNA polymerase gamma, catalytic subunit; minus strand), POLGARF (POLG alternative reading frame; minus strand). Cytogenetic location: 15q26.1.
Variant type: single nucleotide variant.
Coding change: c.69G>A on transcript NM_002693.3 (MANE Select); coding-DNA position 69, G replaced by A.
Protein change: p.Gly23=; no amino-acid change (glycine 23 retained).
Molecular consequence: synonymous variant.
Genome position (GRCh38, 1-based): chr15:89,333,686, C>T on the plus strand (G>A on the coding strand, the complement: POLG is on the minus strand). VCF-style: chr15-89333686-C-T. GRCh37 (hg19) VCF-style: chr15-89876917-C-T.
Other names: c.69G>A, p.Gly23= (NM_001126131.2).
Identifiers: ClinVar variation 3061701 (VCV003061701.3), dbSNP rs1180013370, ClinGen allele CA492290658.